The following is an entry in ClinVar:

ClinVar aggregate classification (germline): Uncertain significance. Review status: criteria provided, multiple submitters, no conflicts (2 of 4 stars). 2 submissions from 2 submitters: Uncertain significance (2). Last evaluated 2025-10-13.

Conditions:
Immunodeficiency 31B. Also called: STAT1 DEFICIENCY, AUTOSOMAL RECESSIVE; IMMUNODEFICIENCY 31B, MYCOBACTERIAL AND VIRAL INFECTIONS, AUTOSOMAL RECESSIVE. Identifiers: Orphanet 391311, MedGen C3151088, MONDO:0013427, OMIM 613796.
Autoimmune enteropathy and endocrinopathy - susceptibility to chronic infections syndrome. Also called: Immunodeficiency 31C, autosomal dominant; Immunodeficiency 31C. Identifiers: Orphanet 391487, MedGen C3279990, MONDO:0013599, OMIM 614162.
Mendelian susceptibility to mycobacterial diseases due to partial STAT1 deficiency. Also called: IMMUNODEFICIENCY 31A, MYCOBACTERIOSIS, AUTOSOMAL DOMINANT; STAT1 DEFICIENCY, AUTOSOMAL DOMINANT; Immunodeficiency 31a. Identifiers: Orphanet 319595, MedGen C4013950, MONDO:0013956, OMIM 614892.

Allele frequency attached by ClinVar (database versions not stated): gnomAD exomes 0.00001; gnomAD 0.00003 and 0.00002; TOPMed 0.00003; 1000 Genomes Project 30x 0.00031; 1000 Genomes Project 0.00020; ExAC 0.00002.
gnomAD v4.1: 15 of 1,613,932 alleles (0.00093%); highest among the groups gnomAD compares: African/African-American, 0.011%; no homozygotes.

Submissions (2):

Labcorp Genetics (formerly Invitae), Labcorp
Classification: Uncertain significance for Mendelian susceptibility to mycobacterial diseases due to partial STAT1 deficiency; Immunodeficiency 31B; Autoimmune enteropathy and endocrinopathy - susceptibility to chronic infections syndrome. Last evaluated: 2025-10-13. Review status: criteria provided, single submitter. Criteria: Invitae Variant Classification Sherloc (09022015). Collection method: clinical testing. Allele origin: germline.
Comment: This sequence change replaces threonine, which is neutral and polar, with methionine, which is neutral and non-polar, at codon 450 of the STAT1 protein (p.Thr450Met). This variant is present in population databases (rs527393923, gnomAD 0.02%). This variant has not been reported in the literature in individuals affected with STAT1-related conditions. ClinVar contains an entry for this variant (Variation ID: 854394). An algorithm developed to predict the effect of missense changes on protein structure and function (PolyPhen-2) suggests that this variant is likely to be disruptive. In summary, the available evidence is currently insufficient to determine the role of this variant in disease. Therefore, it has been classified as a Variant of Uncertain Significance.

Genomic Medicine Center of Excellence, King Faisal Specialist Hospital and Research Centre
Classification: Uncertain significance for Immunodeficiency 31B. Last evaluated: 2025-09-10. Review status: criteria provided, single submitter. Criteria: ACMG Guidelines, 2015. Collection method: clinical testing. Allele origin: germline.

NM_007315.4(STAT1):c.1349C>T (p.Thr450Met)

Gene: STAT1 (signal transducer and activator of transcription 1; minus strand). Cytogenetic location: 2q32.2.
Variant type: single nucleotide variant.
Coding change: c.1349C>T on transcript NM_007315.4 (MANE Select); coding-DNA position 1349, C replaced by T.
Protein change: p.Thr450Met; replaces threonine 450 with methionine.
Molecular consequence: missense variant.
Genome position (GRCh38, 1-based): chr2:190,983,739, G>A on the plus strand (C>T on the coding strand, the complement: STAT1 is on the minus strand). VCF-style: chr2-190983739-G-A. GRCh37 (hg19) VCF-style: chr2-191848465-G-A.
Other names: c.1289C>T, p.Thr430Met (NM_001384880.1); c.1355C>T, p.Thr452Met (NM_001384881.1, NM_001384884.1); c.1343C>T, p.Thr448Met (NM_001384882.1); c.1250C>T, p.Thr417Met (NM_001384883.1); c.1190C>T, p.Thr397Met (NM_001384885.1); c.1349C>T, p.Thr450Met (NM_001384886.1, NM_001384889.1, NM_139266.3); c.1256C>T, p.Thr419Met (NM_001384887.1); c.1319C>T, p.Thr440Met (NM_001384888.1); and 2 more; short protein forms T450M, T397M, T417M, T419M, T420M, T430M, T440M, T448M.
Identifiers: ClinVar variation 854394 (VCV000854394.9), dbSNP rs527393923, ClinGen allele CA2029946.